The following is an entry in ClinVar:

ClinVar aggregate classification (germline): Uncertain significance (1 of 4 stars; one submission).

Allele frequency attached by ClinVar (database versions not stated): gnomAD exomes below 0.00001.
gnomAD v4.1: 1 of 1,613,514 alleles (0.000062%); highest among the groups gnomAD compares: Non-Finnish European, 0.000085%; no homozygotes.

Submission:

GeneDx
Classification: Uncertain significance. Last evaluated: 2022-01-21. Review status: criteria provided, single submitter. Criteria: GeneDx Variant Classification Process June 2021. Collection method: clinical testing. Allele origin: germline. Affected: yes.
Comment: Not observed at significant frequency in large population cohorts (gnomAD); In silico analysis supports that this missense variant has a deleterious effect on protein structure/function; Missense variant in a gene in which most reported pathogenic variants are truncating/loss-of-function; Has not been previously published as pathogenic or benign to our knowledge

NM_018136.5(ASPM):c.9819A>C (p.Leu3273Phe)

Gene: ASPM (assembly factor for spindle microtubules; minus strand). Cytogenetic location: 1q31.3.
Variant type: single nucleotide variant.
Coding change: c.9819A>C on transcript NM_018136.5 (MANE Select); coding-DNA position 9819, A replaced by C.
Protein change: p.Leu3273Phe; replaces leucine 3273 with phenylalanine.
Molecular consequence: missense variant.
Genome position (GRCh38, 1-based): chr1:197,090,206, T>G on the plus strand (A>C on the coding strand, the complement: ASPM is on the minus strand). VCF-style: chr1-197090206-T-G. GRCh37 (hg19) VCF-style: chr1-197059336-T-G.
Other names: c.5064A>C, p.Leu1688Phe (NM_001206846.2); short protein forms L1688F, L3273F.
Identifiers: ClinVar variation 1698227 (VCV001698227.2), dbSNP rs2125088008, ClinGen allele CA344001624.
Genomic context (GRCh38, chr1:197,090,206, plus strand): 5'-CTAATAATGTAGTATTACATCATTCTTTAAACATGTTAACACAAACTAACCTAGGTGTTT[T>G]AAGGCCTCAAGAATGGCAGAAAGGTGCTTATATGTCAAAAGGTAATGAAGTGCAAGTGCA-3'
Protein context (NP_060606.3, residues 3263-3283): YKHLSAILEA[Leu3273Phe]KHLEVVTRLS